The following is an entry in ClinVar:

NM_002474.3(MYH11):c.434A>G (p.Lys145Arg)

Gene: MYH11 (myosin heavy chain 11; minus strand). Cytogenetic location: 16p13.11.
Variant type: single nucleotide variant.
Coding change: c.434A>G on transcript NM_002474.3 (MANE Select); coding-DNA position 434, A replaced by G.
Protein change: p.Lys145Arg; replaces lysine 145 with arginine.
Molecular consequence: missense variant.
Genome position (GRCh38, 1-based): chr16:15,823,323, T>C on the plus strand (A>G on the coding strand, the complement: MYH11 is on the minus strand). VCF-style: chr16-15823323-T-C. GRCh37 (hg19) VCF-style: chr16-15917180-T-C.
Other names: c.434A>G, p.Lys145Arg (NM_001040113.2, NM_001040114.2, NM_022844.3); short protein forms K145R.
Identifiers: ClinVar variation 811741 (VCV000811741.12), dbSNP rs755005682, ClinGen allele CA7923048.

ClinVar aggregate classification (germline): Uncertain significance. Review status: criteria provided, multiple submitters, no conflicts (2 of 4 stars). 4 submissions from 4 submitters: Uncertain significance (4). Last evaluated 2025-09-23.

Conditions:
Familial thoracic aortic aneurysm and aortic dissection (TAAD). Also called: Thoracic aortic aneurysms and dissections. Identifiers: Orphanet 91387, MedGen C4707243, MONDO:0019625.
Aortic aneurysm, familial thoracic 4 (AAT4). Also called: AORTIC ANEURYSM/AORTIC DISSECTION AND PATENT DUCTUS ARTERIOSUS. Identifiers: MedGen C1851504, MONDO:0007568, OMIM 132900.

Allele frequency attached by ClinVar (database versions not stated): gnomAD exomes below 0.00001; ExAC 0.00001; gnomAD 0.00001.
gnomAD v4.1: 3 of 1,614,076 alleles (0.00019%); highest among the groups gnomAD compares: Non-Finnish European, 0.00025%; no homozygotes.

Submissions (4):

Labcorp Genetics (formerly Invitae), Labcorp
Classification: Uncertain significance for Aortic aneurysm, familial thoracic 4. Last evaluated: 2025-09-23. Review status: criteria provided, single submitter. Criteria: Invitae Variant Classification Sherloc (09022015). Collection method: clinical testing. Allele origin: germline.
Comment: This sequence change replaces lysine, which is basic and polar, with arginine, which is basic and polar, at codon 145 of the MYH11 protein (p.Lys145Arg). This variant is present in population databases (rs755005682, gnomAD 0.0009%). This variant has not been reported in the literature in individuals affected with MYH11-related conditions. ClinVar contains an entry for this variant (Variation ID: 811741). Invitae Evidence Modeling of protein sequence and biophysical properties (such as structural, functional, and spatial information, amino acid conservation, physicochemical variation, residue mobility, and thermodynamic stability) indicates that this missense variant is not expected to disrupt MYH11 protein function with a negative predictive value of 95%. In summary, the available evidence is currently insufficient to determine the role of this variant in disease. Therefore, it has been classified as a Variant of Uncertain Significance.

All of Us Research Program, National Institutes of Health
Classification: Uncertain significance for Familial thoracic aortic aneurysm and aortic dissection. Last evaluated: 2024-04-25. Review status: criteria provided, single submitter. Criteria: ACMG Guidelines, 2015. Collection method: clinical testing. Allele origin: germline. Inheritance: Autosomal dominant inheritance. Observed: 3 variant alleles, 3 heterozygotes.
Comment: This missense variant replaces lysine with arginine at codon 145 of the MYH11 protein. Computational prediction suggests that this variant may have deleterious impact on protein structure and function (internally defined REVEL score threshold >= 0.7, PMID: 27666373). To our knowledge, functional studies have not been reported for this variant. This variant has not been reported in individuals affected with MYH11-related disorders in the literature. This variant has been identified in 1/251492 chromosomes in the general population by the Genome Aggregation Database (gnomAD). The available evidence is insufficient to determine the role of this variant in disease conclusively. Therefore, this variant is classified as a Variant of Uncertain Significance.

This study involves interpretation of variants in research participants for the purpose of population health screening. Participant phenotype was not available at the time of variant classification. Additional details can be found in publication PMID: 35346344, PMCID: PMC8962531

Color Diagnostics, LLC DBA Color Health
Classification: Uncertain significance for Familial thoracic aortic aneurysm and aortic dissection. Last evaluated: 2024-03-06. Review status: criteria provided, single submitter. Criteria: ACMG Guidelines, 2015. Collection method: clinical testing. Allele origin: germline.
Comment: This missense variant replaces lysine with arginine at codon 145 of the MYH11 protein. Computational prediction suggests that this variant may have deleterious impact on protein structure and function (internally defined REVEL score threshold >= 0.7, PMID: 27666373). To our knowledge, functional studies have not been reported for this variant. This variant has not been reported in individuals affected with MYH11-related disorders in the literature. This variant has been identified in 1/251492 chromosomes in the general population by the Genome Aggregation Database (gnomAD). The available evidence is insufficient to determine the role of this variant in disease conclusively. Therefore, this variant is classified as a Variant of Uncertain Significance.

ARUP Laboratories, Molecular Genetics and Genomics, ARUP Laboratories
Classification: Uncertain significance for Aortic aneurysm, familial thoracic 4. Last evaluated: 2018-09-05. Review status: criteria provided, single submitter. Criteria: ARUP Molecular Germline Variant Investigation Process. Collection method: clinical testing. Allele origin: germline.
Comment: The MYH11 c.434A>G; p.Lys145Arg variant (rs755005682), to our knowledge, is not reported in the medical literature or gene specific databases. This variant is found on a single chromosome in the Genome Aggregation Database, indicating it is not a common polymorphism. The lysine at codon 434 is highly conserved, but computational analyses (SIFT, PolyPhen-2) predict that this variant is tolerated. Due to limited information, the clinical significance of the p.Lys145Arg variant is uncertain at this time.